The following is an entry in ClinVar:

ClinVar aggregate classification (germline): Uncertain significance (1 of 4 stars; one submission).

Conditions:
Developmental and epileptic encephalopathy. Identifiers: MedGen C5779964, MONDO:0100620.

Submission:

Labcorp Genetics (formerly Invitae), Labcorp
Classification: Uncertain significance for Early-infantile DEE. Last evaluated: 2020-10-16. Review status: criteria provided, single submitter. Criteria: Invitae Variant Classification Sherloc (09022015). Collection method: clinical testing. Allele origin: germline.
Comment: In summary, the available evidence is currently insufficient to determine the role of this variant in disease. Therefore, it has been classified as a Variant of Uncertain Significance. Experimental studies and prediction algorithms are not available or were not evaluated, and the functional significance of this variant is currently unknown. This variant has been observed in individual(s) with clinical features of SPTAN1-related conditions (Invitae). This variant is a gross deletion of the genomic region encompassing exon(s) 27 of the SPTAN1 gene. This variant would be expected to be in-frame, preserving the integrity of the reading frame.

NC_000009.11:g.(?_131362339)_(131362414_?)del

Gene: SPTAN1 (spectrin alpha, non-erythrocytic 1; plus strand). Cytogenetic location: 9q34.11.
Variant type: Deletion.
Identifiers: ClinVar variation 1041512 (VCV001041512.8).